The following is an entry in ClinVar:

NM_002907.4(RECQL):c.863A>T (p.Tyr288Phe)

Gene: RECQL (RecQ like helicase; minus strand). Cytogenetic location: 12p12.1.
Variant type: single nucleotide variant.
Coding change: c.863A>T on transcript NM_002907.4 (MANE Select); coding-DNA position 863, A replaced by T.
Protein change: p.Tyr288Phe; replaces tyrosine 288 with phenylalanine.
Molecular consequence: missense variant.
Genome position (GRCh38, 1-based): chr12:21,477,807, T>A on the plus strand (A>T on the coding strand, the complement: RECQL is on the minus strand). VCF-style: chr12-21477807-T-A. GRCh37 (hg19) VCF-style: chr12-21630741-T-A.
Other names: c.863A>T, p.Tyr288Phe (NM_032941.3); short protein forms Y288F.
Identifiers: ClinVar variation 1764126 (VCV001764126.4), dbSNP rs748842496, ClinGen allele CA6478958.

ClinVar aggregate classification (germline): Uncertain significance (1 of 4 stars; one submission).

Allele frequency attached by ClinVar (database versions not stated): TOPMed below 0.00001; ExAC 0.00001.
gnomAD v4.1: 1 of 1,607,456 alleles (0.000062%); highest among the groups gnomAD compares: Admixed American, 0.0017%; no homozygotes.

Submission:

Ambry Genetics
Classification: Uncertain significance. Last evaluated: 2025-02-01. Review status: criteria provided, single submitter. Criteria: Ambry Variant Classification Scheme 2023. Collection method: clinical testing. Allele origin: germline.
Comment: The p.Y288F variant (also known as c.863A>T), located in coding exon 6 of the RECQL gene, results from an A to T substitution at nucleotide position 863. The tyrosine at codon 288 is replaced by phenylalanine, an amino acid with highly similar properties. This amino acid position is highly conserved in available vertebrate species. In addition, the in silico prediction for this alteration is inconclusive. Since supporting evidence is limited at this time, the clinical significance of this alteration remains unclear.